The following is an entry in ClinVar:

NM_006734.4(HIVEP2):c.247C>A (p.Gln83Lys)

Gene: HIVEP2 (HIVEP zinc finger 2; minus strand). Cytogenetic location: 6q24.2.
Variant type: single nucleotide variant.
Coding change: c.247C>A on transcript NM_006734.4 (MANE Select); coding-DNA position 247, C replaced by A.
Protein change: p.Gln83Lys; replaces glutamine 83 with lysine.
Molecular consequence: missense variant.
Genome position (GRCh38, 1-based): chr6:142,774,492, G>T on the plus strand (C>A on the coding strand, the complement: HIVEP2 is on the minus strand). VCF-style: chr6-142774492-G-T. GRCh37 (hg19) VCF-style: chr6-143095629-G-T.
Other names: short protein forms Q83K.
Identifiers: ClinVar variation 2714811 (VCV002714811.17), dbSNP rs199829182, ClinGen allele CA4028774.

ClinVar aggregate classification (germline): Conflicting classifications of pathogenicity. Review status: criteria provided, conflicting classifications (1 of 4 stars). 3 submissions from 3 submitters: Uncertain significance (1); Likely benign (2). Last evaluated 2025-08-11.

Conditions:
Intellectual disability. Also called: Intellectual functioning disability; intellectual disabilities; Intellectual developmental disorder. Identifiers: MedGen C3714756, MeSH D008607, MONDO:0001071, HP:0001249.

Allele frequency attached by ClinVar (database versions not stated): ExAC 0.00008; TOPMed 0.00009; gnomAD 0.00010; gnomAD exomes 0.00015; 1000 Genomes Project 30x 0.00016; 1000 Genomes Project 0.00020; ESP Exome Variant Server 0.00031.
gnomAD v4.1: 246 of 1,614,162 alleles (0.015%); highest among the groups gnomAD compares: Non-Finnish European, 0.019%; no homozygotes.

Submissions (3):

Labcorp Genetics (formerly Invitae), Labcorp
Classification: Likely benign. Last evaluated: 2025-08-11. Review status: criteria provided, single submitter. Criteria: Invitae Variant Classification Sherloc (09022015). Collection method: clinical testing. Allele origin: germline.

CeGaT Center for Human Genetics Tuebingen
Classification: Likely benign. Last evaluated: 2025-04-01. Review status: criteria provided, single submitter. Criteria: CeGaT Center For Human Genetics Tuebingen Variant Classification Criteria Version 2. Collection method: clinical testing. Allele origin: germline. Affected: yes. Observed: 2 variant alleles.
Comment: HIVEP2: BP4, BS1

Cambridge Genomics Laboratory, East Genomic Laboratory Hub, NHS Genomic Medicine Service
Classification: Uncertain significance for Intellectual disability. Last evaluated: 2020-03-30. Review status: criteria provided, single submitter. Criteria: ACGS Best Practice Guidelines for Variant Classification in Rare Disease 2020. Collection method: clinical testing. Allele origin: germline. Affected: yes. Observed: 1 variant allele.